The following is an entry in ClinVar:

ClinVar aggregate classification (germline): Uncertain significance. Review status: criteria provided, multiple submitters, no conflicts (2 of 4 stars). 2 submissions from 2 submitters: Uncertain significance (2). Last evaluated 2024-05-13.

Conditions:
Inborn genetic diseases. Identifiers: MedGen C0950123, MeSH D030342.

Allele frequency attached by ClinVar (database versions not stated): gnomAD 0.00036; gnomAD exomes 0.00037; 1000 Genomes Project 0.00040; TOPMed 0.00045; ExAC 0.00046; 1000 Genomes Project 30x 0.00047; ESP Exome Variant Server 0.00085.
gnomAD v4.1: 571 of 1,576,520 alleles (0.036%); highest among the groups gnomAD compares: African/African-American, 0.046%; no homozygotes.

Submissions (2):

Greenwood Genetic Center Diagnostic Laboratories, Greenwood Genetic Center
Classification: Uncertain significance. Last evaluated: 2024-05-13. Review status: criteria provided, single submitter. Criteria: ACMG Guidelines, 2015. Collection method: clinical testing. Allele origin: germline. Affected: yes.
Comment: BP4

Ambry Genetics
Classification: Uncertain significance for Inborn genetic diseases. Last evaluated: 2021-09-16. Review status: criteria provided, single submitter. Criteria: Ambry Variant Classification Scheme 2023. Collection method: clinical testing. Allele origin: germline.

NM_145886.4(PIDD1):c.1651C>T (p.Arg551Cys)

Gene: PIDD1 (p53-induced death domain protein 1; minus strand). Cytogenetic location: 11p15.5.
Variant type: single nucleotide variant.
Coding change: c.1651C>T on transcript NM_145886.4 (MANE Select); coding-DNA position 1651, C replaced by T.
Protein change: p.Arg551Cys; replaces arginine 551 with cysteine.
Molecular consequence: missense variant.
Genome position (GRCh38, 1-based): chr11:801,100, G>A on the plus strand (C>T on the coding strand, the complement: PIDD1 is on the minus strand). VCF-style: chr11-801100-G-A. GRCh37 (hg19) VCF-style: chr11-801100-G-A.
Other names: c.1651C>T, p.Arg551Cys (NM_145887.4); short protein forms R551C.
Identifiers: ClinVar variation 2358352 (VCV002358352.3), dbSNP rs147049845, ClinGen allele CA5789920.
Genomic context (GRCh38, chr11:801,100, plus strand): 5'-CCTGAGCTGTGATGTCATCCCAGGTGGCTGCAGGAGGGGCCCAGTACAACAGGTGCAGGC[G>A]GGAGCGGTCCAGACTGAGGCCTGGGGATGGGAGGGGCAGCGAGCTGAGGCCTCCTGGCCG-3'
Protein context (NP_665893.2, residues 541-561): GITGLSLDRS[Arg551Cys]LHLLYWAPPA